The following is an entry in ClinVar:

NM_001127221.2(CACNA1A):c.5559_5560del (p.Tyr1853_Ser1854delinsTer)

Gene: CACNA1A (calcium voltage-gated channel subunit alpha1 A; minus strand). Cytogenetic location: 19p13.13.
Variant type: Deletion.
Coding change: c.5559_5560del on transcript NM_001127221.2 (MANE Plus Clinical); coding-DNA positions 5559 to 5560, 2 bases deleted (CA; older notation c.5559_5560delCA).
Protein change: p.Tyr1853_Ser1854delinsTer.
Molecular consequence: nonsense. On other transcripts: intron variant (4).
Genome position (GRCh38, 1-based): chr19:13,228,767-13,228,768, TG deleted on the plus strand (CA on the coding strand, the reverse complement: CACNA1A is on the minus strand); deleting any 2 consecutive bases within chr19:13,228,767-13,228,769 gives the same sequence; the c. name uses the placement nearest the transcript's 3' end. VCF-style (leftmost placement, unchanged base first): chr19-13228766-CTG-C. GRCh37 (hg19) VCF-style: chr19-13339580-CTG-C.
Other names: c.5529-1241_5529-1240del (NM_001127222.2); c.5538-1241_5538-1240del (NM_001174080.2); c.5547-1241_5547-1240del (NM_000068.4, NM_023035.3); c.5559_5560delCA (NM_001127221.1); c.5559_5560del (NM_001127221.1).
Identifiers: ClinVar variation 560724 (VCV000560724.10), dbSNP rs1568440440, ClinGen allele CA658824004.
Genomic context (GRCh38, chr19:13,228,766, plus strand): 5'-GCAACCCTATGAGGACATTTCTTGCCTAAGCCGAGAGGGGGAGATATTACTCGTAATAAA[CTG>C]TACATATCCTTATAATGAATCCGACCGCTGAAAGGAGAAGAAAGGGGGTTAGTGCAGGCA-3'

ClinVar aggregate classification (germline): Pathogenic/Likely pathogenic. Review status: criteria provided, multiple submitters, no conflicts (2 of 4 stars). 4 submissions from 4 submitters: Pathogenic (3); Likely pathogenic (1). Last evaluated 2022-12-13.

Conditions:
Episodic ataxia type 2 (EA2). Also called: ACETAZOLAMIDE-RESPONSIVE HEREDITARY PAROXYSMAL CEREBELLAR ATAXIA; CEREBELLAR ATAXIA, PAROXYSMAL, ACETAZOLAMIDE-RESPONSIVE; CEREBELLOPATHY, HEREDITARY PAROXYSMAL; EPISODIC ATAXIA, NYSTAGMUS-ASSOCIATED; ATAXIA, EPISODIC, WITH NYSTAGMUS; ATAXIA, FAMILIAL PAROXYSMAL. Identifiers: Orphanet 97, MedGen C1720416, MONDO:0007163, OMIM 108500.
Developmental and epileptic encephalopathy, 42 (DEE42A). Also called: DEVELOPMENTAL AND EPILEPTIC ENCEPHALOPATHY 42A; EPILEPTIC ENCEPHALOPATHY, EARLY INFANTILE, 42A; Epileptic encephalopathy, early infantile, 42. Identifiers: MedGen C4310716, MONDO:0014917, OMIM 617106.
Cerebellar ataxia. Identifiers: Orphanet 102002, MedGen C0007758, MONDO:0000437.

Submissions (4):

Women's Health and Genetics/Laboratory Corporation of America, LabCorp
Classification: Likely pathogenic for Developmental and epileptic encephalopathy, 42. Last evaluated: 2022-12-13. Review status: criteria provided, single submitter. Criteria: LabCorp Variant Classification Summary - May 2015. Collection method: clinical testing. Allele origin: germline.
Comment: Variant summary: CACNA1A c.5559_5560delCA (p.Tyr1853X) results in a premature termination codon, predicted to cause a truncation of the encoded protein or absence of the protein due to nonsense mediated decay, which are commonly known mechanisms for disease. Truncations downstream of this position have been classified as pathogenic within ClinVar (e.g. c.6202C>T [p.Arg2068Ter], c.6397C>T [p.Arg2133Ter]). The variant was absent in 237970 control chromosomes (gnomAD). c.5559_5560delCA has been reported in the literature in individuals affected with Epilepsy (Truty_2019). This report does not provide unequivocal conclusions about association of the variant with Epileptic Encephalopathy, Early Infantile, 42. To our knowledge, no experimental evidence demonstrating an impact on protein function has been reported. Two ClinVar submitters have assessed the variant since 2014: both classified the variant as pathogenic. Based on the evidence outlined above, the variant was classified as likely pathogenic.

GeneDx
Classification: Pathogenic. Last evaluated: 2022-12-02. Review status: criteria provided, single submitter. Criteria: GeneDx Variant Classification Process June 2021. Collection method: clinical testing. Allele origin: germline. Affected: yes.
Comment: Reported as heterozygous in one patient from a cohort of individuals with epilepsy (Truty et al., 2019); Nonsense variant predicted to result in protein truncation or nonsense mediated decay in a gene for which loss of function is a known mechanism of disease; Not observed at significant frequency in large population cohorts (gnomAD); This variant is associated with the following publications: (PMID: 31440721)

Labcorp Genetics (formerly Invitae), Labcorp
Classification: Pathogenic for Developmental and epileptic encephalopathy, 42; Episodic ataxia type 2. Last evaluated: 2022-11-28. Review status: criteria provided, single submitter. Criteria: Invitae Variant Classification Sherloc (09022015). Collection method: clinical testing. Allele origin: germline.
Comment: This sequence change creates a premature translational stop signal (p.Tyr1853*) in the CACNA1A gene. It is expected to result in an absent or disrupted protein product. Loss-of-function variants in CACNA1A are known to be pathogenic (PMID: 10371528, 19486177, 25735478, 27250579). This variant is not present in population databases (gnomAD no frequency). This premature translational stop signal has been observed in individual(s) with episodic ataxia 2 (PMID: 27066515). ClinVar contains an entry for this variant (Variation ID: 560724). For these reasons, this variant has been classified as Pathogenic.

MVZ Martinsried, Medicover Genetics
Classification: Pathogenic for Cerebellar Ataxia. Last evaluated: 2018-05-11. Review status: criteria provided, single submitter. Criteria: ACMG Guidelines, 2015. Collection method: clinical testing. Allele origin: unknown. Affected: yes.

Literature cited by the submitters: PubMed 31440721 (cited by Women's Health and Genetics/Laboratory Corporation of America, LabCorp); PubMed 10371528 (cited by Labcorp Genetics (formerly Invitae), Labcorp); PubMed 19486177 (cited by Labcorp Genetics (formerly Invitae), Labcorp); PubMed 25735478 (cited by Labcorp Genetics (formerly Invitae), Labcorp); PubMed 27250579 (cited by Labcorp Genetics (formerly Invitae), Labcorp); PubMed 27066515 (cited by Labcorp Genetics (formerly Invitae), Labcorp).